The following is an entry in ClinVar:

NM_014319.5(LEMD3):c.1015G>A (p.Ala339Thr)

Gene: LEMD3 (LEM domain containing 3; plus strand). Cytogenetic location: 12q14.3.
Variant type: single nucleotide variant.
Coding change: c.1015G>A on transcript NM_014319.5 (MANE Select); coding-DNA position 1015, G replaced by A.
Protein change: p.Ala339Thr; replaces alanine 339 with threonine.
Molecular consequence: missense variant.
Genome position (GRCh38, 1-based): chr12:65,170,611, G>A. VCF-style: chr12-65170611-G-A. GRCh37 (hg19) VCF-style: chr12-65564391-G-A.
Other names: c.1015G>A, p.Ala339Thr (NM_001167614.2); short protein forms A339T.
Identifiers: ClinVar variation 2135092 (VCV002135092.4), dbSNP rs2498940078, ClinGen allele CA385674724.

ClinVar aggregate classification (germline): Uncertain significance (1 of 4 stars; one submission).

Submission:

Labcorp Genetics (formerly Invitae), Labcorp
Classification: Uncertain significance. Last evaluated: 2022-05-07. Review status: criteria provided, single submitter. Criteria: Invitae Variant Classification Sherloc (09022015). Collection method: clinical testing. Allele origin: germline.
Comment: In summary, the available evidence is currently insufficient to determine the role of this variant in disease. Therefore, it has been classified as a Variant of Uncertain Significance. Algorithms developed to predict the effect of missense changes on protein structure and function (SIFT, PolyPhen-2, Align-GVGD) all suggest that this variant is likely to be tolerated. This variant has not been reported in the literature in individuals affected with LEMD3-related conditions. This variant is not present in population databases (gnomAD no frequency). This sequence change replaces alanine, which is neutral and non-polar, with threonine, which is neutral and polar, at codon 339 of the LEMD3 protein (p.Ala339Thr).